The following is an entry in ClinVar:

ClinVar aggregate classification (germline): Uncertain significance. Review status: criteria provided, multiple submitters, no conflicts (2 of 4 stars). 5 submissions from 5 submitters: Uncertain significance (5). Last evaluated 2026-08-04.

Conditions:
CDH23-related disorder. Also called: CDH23-related disorders; CDH23-related condition.
Inborn genetic diseases. Identifiers: MedGen C0950123, MeSH D030342.

Allele frequency attached by ClinVar (database versions not stated): gnomAD 0.00002; TOPMed 0.00002; ExAC 0.00007; ESP Exome Variant Server 0.00008.
gnomAD v4.1: 82 of 1,613,824 alleles (0.0051%); highest among the groups gnomAD compares: Admixed American, 0.01%; no homozygotes.

Submissions (5):

GeneDx
Classification: Uncertain significance. Last evaluated: 2026-08-04. Review status: criteria provided, single submitter. Criteria: GeneDx Variant Classification Process June 2021. Collection method: clinical testing. Allele origin: germline.
Comment: In silico analysis suggests that this missense variant does not alter protein structure/function; Has not been previously published as a pathogenic or benign germline variant to our knowledge; This variant is associated with the following publications: (PMID: 33194054, 15537665)

PreventionGenetics, part of Exact Sciences
Classification: Uncertain significance for CDH23-related condition. Last evaluated: 2026-04-17. Review status: criteria provided, single submitter. Criteria: ACMG Guidelines, 2015. Collection method: clinical testing. Allele origin: germline.
Comment: The CDH23 c.9502C>T variant is predicted to result in the amino acid substitution p.Arg3168Cys. To our knowledge, this variant has not been reported in the literature. This variant is reported in 0.013% of alleles in individuals of South Asian descent in gnomAD. At this time, the clinical significance of this variant is uncertain due to the absence of conclusive functional and genetic evidence.

Ambry Genetics
Classification: Uncertain significance for Inborn genetic diseases. Last evaluated: 2024-03-12. Review status: criteria provided, single submitter. Criteria: Ambry Variant Classification Scheme 2023. Collection method: clinical testing. Allele origin: germline.

Labcorp Genetics (formerly Invitae), Labcorp
Classification: Uncertain significance. Last evaluated: 2022-08-10. Review status: criteria provided, single submitter. Criteria: Invitae Variant Classification Sherloc (09022015). Collection method: clinical testing. Allele origin: germline.
Comment: This sequence change replaces arginine, which is basic and polar, with cysteine, which is neutral and slightly polar, at codon 3168 of the CDH23 protein (p.Arg3168Cys). This variant is present in population databases (rs377655014, gnomAD 0.01%). This variant has not been reported in the literature in individuals affected with CDH23-related conditions. Algorithms developed to predict the effect of missense changes on protein structure and function are either unavailable or do not agree on the potential impact of this missense change (SIFT: "Deleterious"; PolyPhen-2: "Not Available"; Align-GVGD: "Class C0"). In summary, the available evidence is currently insufficient to determine the role of this variant in disease. Therefore, it has been classified as a Variant of Uncertain Significance.

Blueprint Genetics
Classification: Uncertain significance. Last evaluated: 2021-03-25. Review status: criteria provided, single submitter. Criteria: ACMG Guidelines, 2015. Collection method: clinical testing. Allele origin: germline.

NM_022124.6(CDH23):c.9502C>T (p.Arg3168Cys)

Gene: CDH23 (cadherin related 23; plus strand). Cytogenetic location: 10q22.1.
Variant type: single nucleotide variant.
Coding change: c.9502C>T on transcript NM_022124.6 (MANE Select); coding-DNA position 9502, C replaced by T.
Protein change: p.Arg3168Cys; replaces arginine 3168 with cysteine.
Molecular consequence: missense variant.
Genome position (GRCh38, 1-based): chr10:71,812,601, C>T. VCF-style: chr10-71812601-C-T. GRCh37 (hg19) VCF-style: chr10-73572358-C-T.
Other names: c.2782C>T, p.Arg928Cys (NM_001171933.1, NM_001171934.1); c.193C>T, p.Arg65Cys (NM_001171935.1, NM_001171936.1); c.9502C>T (NM_022124.5); short protein forms R3168C, R65C, R928C.
Identifiers: ClinVar variation 2181245 (VCV002181245.6), dbSNP rs377655014, ClinGen allele CA5547095.